The following is an entry in ClinVar:

ClinVar aggregate classification (germline): Uncertain significance. Review status: criteria provided, multiple submitters, no conflicts (2 of 4 stars). 2 submissions from 2 submitters: Uncertain significance (2). Last evaluated 2025-02-07.

Allele frequency attached by ClinVar (database versions not stated): gnomAD exomes 0.00001; gnomAD 0.00010 and 0.00011; TOPMed 0.00020.
gnomAD v4.1: 26 of 1,588,824 alleles (0.0016%); highest among the groups gnomAD compares: Admixed American, 0.028%; no homozygotes.

Submissions (2):

Ambry Genetics
Classification: Uncertain significance. Last evaluated: 2025-02-07. Review status: criteria provided, single submitter. Criteria: Ambry Variant Classification Scheme 2023. Collection method: clinical testing. Allele origin: germline.

Labcorp Genetics (formerly Invitae), Labcorp
Classification: Uncertain significance. Last evaluated: 2024-09-27. Review status: criteria provided, single submitter. Criteria: Invitae Variant Classification Sherloc (09022015). Collection method: clinical testing. Allele origin: germline.
Comment: This sequence change replaces proline, which is neutral and non-polar, with leucine, which is neutral and non-polar, at codon 169 of the IFT57 protein (p.Pro169Leu). This variant is present in population databases (no rsID available, gnomAD 0.006%). This variant has not been reported in the literature in individuals affected with IFT57-related conditions. ClinVar contains an entry for this variant (Variation ID: 1474370). An algorithm developed to predict the effect of missense changes on protein structure and function (PolyPhen-2) suggests that this variant is likely to be disruptive. In summary, the available evidence is currently insufficient to determine the role of this variant in disease. Therefore, it has been classified as a Variant of Uncertain Significance.

NM_018010.4(IFT57):c.506C>T (p.Pro169Leu)

Gene: IFT57 (intraflagellar transport 57; minus strand). Cytogenetic location: 3q13.13.
Variant type: single nucleotide variant.
Coding change: c.506C>T on transcript NM_018010.4 (MANE Select); coding-DNA position 506, C replaced by T.
Protein change: p.Pro169Leu; replaces proline 169 with leucine.
Molecular consequence: missense variant.
Genome position (GRCh38, 1-based): chr3:108,214,010, G>A on the plus strand (C>T on the coding strand, the complement: IFT57 is on the minus strand). VCF-style: chr3-108214010-G-A. GRCh37 (hg19) VCF-style: chr3-107932857-G-A.
Other names: c.506C>T (NM_018010.3); short protein forms P169L.
Identifiers: ClinVar variation 1474370 (VCV001474370.8), dbSNP rs903051109, ClinGen allele CA80634822.